The following is an entry in ClinVar:

NM_001927.4(DES):c.759G>C (p.Gln253His)

Gene: DES (desmin; plus strand). Cytogenetic location: 2q35.
Variant type: single nucleotide variant.
Coding change: c.759G>C on transcript NM_001927.4 (MANE Select); coding-DNA position 759, G replaced by C.
Protein change: p.Gln253His; replaces glutamine 253 with histidine.
Molecular consequence: missense variant. On other transcripts: intron variant (2).
Genome position (GRCh38, 1-based): chr2:219,420,518, G>C. VCF-style: chr2-219420518-G-C. GRCh37 (hg19) VCF-style: chr2-220285240-G-C.
Other names: c.756G>C, p.Gln252His (NM_001382708.1); c.759G>C, p.Gln253His (NM_001382710.1, NM_001382711.1, NM_001382712.1); c.735+172G>C (NM_001382709.1); c.496-7G>C (NM_001382713.1); short protein forms Q252H, Q253H.
Identifiers: ClinVar variation 5037167 (VCV005037167.1).
Genomic context (GRCh38, chr2:219,420,518, plus strand): 5'-CCCTGAGAGGGGACTGAAGCCCAGTCATGCCCTACAGGAGATCCGTGAGTTGCAGGCTCA[G>C]CTTCAGGAACAGCAGGTCCAGGTGGAGATGGACATGTCTAAGCCAGACCTCACTGCCGCC-3'
Protein context (NP_001918.3, residues 243-263): HEEEIRELQA[Gln253His]LQEQQVQVEM

ClinVar aggregate classification (germline): Uncertain significance (1 of 4 stars; one submission).

Submission:

GeneDx
Classification: Uncertain significance. Last evaluated: 2026-04-16. Review status: criteria provided, single submitter. Criteria: GeneDx Variant Classification Process June 2021. Collection method: clinical testing. Allele origin: germline.
Comment: Not observed at significant frequency in large population cohorts (gnomAD); In silico analysis supports that this missense variant has a deleterious effect on protein structure/function; Has not been previously published as pathogenic or benign to our knowledge; This variant is associated with the following publications: (PMID: 26807690)